The following is an entry in ClinVar:

ClinVar aggregate classification (germline): Uncertain significance (1 of 4 stars; one submission).

Submission:

CeGaT Center for Human Genetics Tuebingen
Classification: Uncertain significance. Last evaluated: 2024-08-01. Review status: criteria provided, single submitter. Criteria: CeGaT Center For Human Genetics Tuebingen Variant Classification Criteria Version 2. Collection method: clinical testing. Allele origin: germline. Affected: yes. Observed: 1 variant allele.
Comment: ACOX2: PM2

NM_003500.4(ACOX2):c.603_604inv (p.Ala202Thr)

Gene: ACOX2 (acyl-CoA oxidase 2; minus strand). Cytogenetic location: 3p14.3.
Variant type: Inversion.
Coding change: c.603_604inv on transcript NM_003500.4 (MANE Select).
Protein change: p.Ala202Thr; replaces alanine 202 with threonine.
Molecular consequence: missense variant.
Genome position: GRCh38 VCF-style: chr3-58531792-CA-TG. GRCh37 (hg19) VCF-style: chr3-58517519-CA-TG.
Other names: short protein forms A202T.
Identifiers: ClinVar variation 3342234 (VCV003342234.16).